The following is an entry in ClinVar:

ClinVar aggregate classification (germline): Likely benign (0 of 4 stars; one submission).

Conditions:
DSCAM-related disorder. Also called: DSCAM-related condition.

gnomAD v4.1: 6 of 1,613,194 alleles (0.00037%); highest among the groups gnomAD compares: South Asian, 0.0022%; no homozygotes.

Submission:

PreventionGenetics, part of Exact Sciences
Classification: Likely benign for DSCAM-related condition. Last evaluated: 2019-04-02. Review status: no assertion criteria provided. Collection method: clinical testing. Allele origin: germline.
Comment: This variant is classified as likely benign based on ACMG/AMP sequence variant interpretation guidelines (Richards et al. 2015 PMID: 25741868, with internal and published modifications).

NM_001389.5(DSCAM):c.2268C>G (p.Val756=)

Gene: DSCAM (DS cell adhesion molecule; minus strand). Cytogenetic location: 21q22.2.
Variant type: single nucleotide variant.
Coding change: c.2268C>G on transcript NM_001389.5 (MANE Select); coding-DNA position 2268, C replaced by G.
Protein change: p.Val756=; no amino-acid change (valine 756 retained).
Molecular consequence: synonymous variant. On other transcripts: non-coding transcript variant (1).
Genome position (GRCh38, 1-based): chr21:40,276,185, G>C on the plus strand (C>G on the coding strand, the complement: DSCAM is on the minus strand). VCF-style: chr21-40276185-G-C. GRCh37 (hg19) VCF-style: chr21-41648112-G-C.
Other names: c.2268C>G, p.Val756= (NM_001271534.3).
Identifiers: ClinVar variation 3353097 (VCV003353097.1).